The following is an entry in ClinVar:

ClinVar aggregate classification (germline): Pathogenic (1 of 4 stars; one submission).

Conditions:
Primary ciliary dyskinesia. Also called: Ciliary dyskinesia. Identifiers: Orphanet 244, MedGen C0008780, MONDO:0016575, HP:0012265.

Submission:

Labcorp Genetics (formerly Invitae), Labcorp
Classification: Pathogenic for Primary ciliary dyskinesia. Last evaluated: 2023-12-27. Review status: criteria provided, single submitter. Criteria: Invitae Variant Classification Sherloc (09022015). Collection method: clinical testing. Allele origin: unknown.
Comment: This variant is a gross deletion of the genomic region encompassing exon(s) 3-42 of the DNAH11 gene. This deletion is out-of-frame, and is expected to create a premature termination codon and result in an absent or disrupted protein product. Loss-of-function variants in DNAH11 are known to be pathogenic (PMID: 18022865, 20513915, 22184204). This variant has not been reported in the literature in individuals affected with DNAH11-related conditions. For these reasons, this variant has been classified as Pathogenic.

Literature cited by the submitters: PubMed 18022865; PubMed 20513915; PubMed 22184204.

NC_000007.13:g.(?_21598400)_(21751498_?)del

Gene: DNAH11 (dynein axonemal heavy chain 11; plus strand). Cytogenetic location: 7p15.3.
Variant type: Deletion.
Identifiers: ClinVar variation 3245629 (VCV003245629.1).